The following is an entry in ClinVar:

NM_000059.4(BRCA2):c.8042C>T (p.Thr2681Ile)

Gene: BRCA2 (BRCA2 DNA repair associated; plus strand). Cytogenetic location: 13q13.1.
Variant type: single nucleotide variant.
Coding change: c.8042C>T on transcript NM_000059.4 (MANE Select); coding-DNA position 8042, C replaced by T.
Protein change: p.Thr2681Ile; replaces threonine 2681 with isoleucine.
Molecular consequence: missense variant.
Genome position (GRCh38, 1-based): chr13:32,363,244, C>T. VCF-style: chr13-32363244-C-T. GRCh37 (hg19) VCF-style: chr13-32937381-C-T.
Other names: short protein forms T2681I.
Identifiers: ClinVar variation 462465 (VCV000462465.9), dbSNP rs587782519, ClinGen allele CA387749017.

ClinVar aggregate classification (germline): Uncertain significance (1 of 4 stars; one submission).

Conditions:
Hereditary breast ovarian cancer syndrome. Also called: Hereditary breast and ovarian cancer syndrome (HBOC); Hereditary breast and ovarian cancer syndrome; Breast and ovarian cancer; Hereditary breast and/or ovarian cancer syndrome; Hereditary breast and ovarian cancer; BRCA1- and BRCA2-Associated Hereditary Breast and Ovarian Cancer. Identifiers: Orphanet 145, MedGen C0677776, MeSH D061325, MONDO:0003582. Disease mechanism: loss of function.

Submission:

Labcorp Genetics (formerly Invitae), Labcorp
Classification: Uncertain significance for Hereditary breast ovarian cancer syndrome. Last evaluated: 2017-02-15. Review status: criteria provided, single submitter. Criteria: Invitae Variant Classification Sherloc (09022015). Collection method: clinical testing. Allele origin: germline.
Comment: In summary, this variant is a novel missense change with uncertain impact on protein function. It has been classified as a Variant of Uncertain Significance. Algorithms developed to predict the effect of missense changes on protein structure and function do not agree on the potential impact of this missense change (SIFT: "Deleterious"; PolyPhen-2: "Benign"; Align-GVGD: "Class C0"). This variant is not present in population databases (ExAC no frequency) and has not been reported in the literature in individuals with a BRCA2-related disease. This sequence change replaces threonine with isoleucine at codon 2681 of the BRCA2 protein (p.Thr2681Ile). The threonine residue is moderately conserved and there is a moderate physicochemical difference between threonine and isoleucine.